The following is an entry in ClinVar:

ClinVar aggregate classification (germline): Conflicting classifications of pathogenicity. Review status: criteria provided, conflicting classifications (1 of 4 stars). 4 submissions from 4 submitters: Uncertain significance (3); Likely benign (1). Last evaluated 2025-12-23.

Conditions:
Tuberous sclerosis 1 (TSC1). Identifiers: Orphanet 805, MedGen C1854465, MONDO:0008612, OMIM 191100.
Hereditary cancer-predisposing syndrome. Also called: Hereditary neoplastic syndrome; Hereditary Cancer Syndrome; Neoplastic Syndromes, Hereditary; Tumor predisposition. Identifiers: Orphanet 140162, MedGen C0027672, MeSH D009386, MONDO:0015356.
Tuberous sclerosis syndrome (TSC). Also called: Tuberous Sclerosis Complex; Tuberous sclerosis. Identifiers: Orphanet 805, MedGen C0041341, MONDO:0001734.

Allele frequency attached by ClinVar (database versions not stated): gnomAD 0.00001; gnomAD exomes 0.00001.
gnomAD v4.1: 4 of 1,602,094 alleles (0.00025%); highest among the groups gnomAD compares: Admixed American, 0.0034%; no homozygotes.

Submissions (4):

Labcorp Genetics (formerly Invitae), Labcorp
Classification: Likely benign for Tuberous sclerosis 1. Last evaluated: 2025-12-23. Review status: criteria provided, single submitter. Criteria: Invitae Variant Classification Sherloc (09022015). Collection method: clinical testing. Allele origin: germline.

Ambry Genetics
Classification: Uncertain significance for Hereditary cancer-predisposing syndrome. Last evaluated: 2025-11-29. Review status: criteria provided, single submitter. Criteria: Ambry Variant Classification Scheme 2023. Collection method: clinical testing. Allele origin: germline.
Comment: The p.S315C variant (also known as c.944C>G), located in coding exon 8 of the TSC1 gene, results from a C to G substitution at nucleotide position 944. The serine at codon 315 is replaced by cysteine, an amino acid with dissimilar properties. This amino acid position is conserved. In addition, the in silico prediction for this alteration is inconclusive. Based on the available evidence, the clinical significance of this variant remains unclear.

Color Diagnostics, LLC DBA Color Health
Classification: Uncertain significance for Tuberous sclerosis syndrome. Last evaluated: 2025-07-14. Review status: criteria provided, single submitter. Criteria: ACMG Guidelines, 2015. Collection method: clinical testing. Allele origin: germline.
Comment: This missense variant replaces serine with cysteine at codon 315 of the TSC1 protein. Computational prediction suggests that this variant may not impact protein structure and function. To our knowledge, functional studies have not been reported for this variant. This variant has not been reported in individuals affected with TSC1-related disorders in the literature. This variant has been identified in 3/251262 chromosomes in the general population by the Genome Aggregation Database (gnomAD). The available evidence is insufficient to determine the role of this variant in disease conclusively. Therefore, this variant is classified as a Variant of Uncertain Significance.

All of Us Research Program, National Institutes of Health
Classification: Uncertain significance for Tuberous sclerosis syndrome. Last evaluated: 2023-11-30. Review status: criteria provided, single submitter. Criteria: ACMG Guidelines, 2015. Collection method: clinical testing. Allele origin: germline. Inheritance: Autosomal dominant inheritance. Observed: 1 variant allele, 1 heterozygote.
Comment: This study involves interpretation of variants in research participants for the purpose of population health screening. Participant phenotype was not available at the time of variant classification. Additional details can be found in publication PMID: 35346344, PMCID: PMC8962531

NM_000368.5(TSC1):c.944C>G (p.Ser315Cys)

Gene: TSC1 (TSC complex subunit 1; minus strand). Cytogenetic location: 9q34.13.
Variant type: single nucleotide variant.
Coding change: c.944C>G on transcript NM_000368.5 (MANE Select); coding-DNA position 944, C replaced by G.
Protein change: p.Ser315Cys; replaces serine 315 with cysteine.
Molecular consequence: missense variant.
Genome position (GRCh38, 1-based): chr9:132,911,538, G>C on the plus strand (C>G on the coding strand, the complement: TSC1 is on the minus strand). VCF-style: chr9-132911538-G-C. GRCh37 (hg19) VCF-style: chr9-135786925-G-C.
Other names: c.944C>G, p.Ser315Cys (NM_001162426.2); c.791C>G, p.Ser264Cys (NM_001162427.2); c.581C>G, p.Ser194Cys (NM_001362177.2); c.944C>G (NM_000368.4); short protein forms S315C, S194C, S264C.
Identifiers: ClinVar variation 1372414 (VCV001372414.8), dbSNP rs1332978347, ClinGen allele CA375368705.